The following is an entry in ClinVar:

ClinVar aggregate classification (germline): Conflicting classifications of pathogenicity. Review status: criteria provided, conflicting classifications (1 of 4 stars). 5 submissions from 5 submitters: Uncertain significance (1); Likely benign (3). 1 of the submissions does not count toward it. Last evaluated 2025-11-18.

Conditions:
POMT1-related disorder. Also called: POMT1-related condition; POMT1-related disorders.
Walker-Warburg congenital muscular dystrophy. Also called: Muscular dystrophy-dystroglycanopathy, type A; Walker-Warburg syndrome. Identifiers: Orphanet 899, MedGen C0265221, MONDO:0000171.
Muscular dystrophy-dystroglycanopathy (congenital with impaired intellectual development), type B, 1. Also called: Muscular dystrophy-dystroglycanopathy (congenital with intellectual disability), type B1; MUSCULAR DYSTROPHY, CONGENITAL, POMT1-RELATED. Identifiers: MedGen C5436962, MONDO:0013159, OMIM 613155.
Autosomal recessive limb-girdle muscular dystrophy type 2K. Also called: MUSCULAR DYSTROPHY-DYSTROGLYCANOPATHY (LIMB-GIRDLE), TYPE C, 1; MUSCULAR DYSTROPHY, LIMB-GIRDLE, TYPE 2K. Identifiers: Orphanet 86812, MedGen C1836373, MONDO:0012248, OMIM 609308.

Allele frequency attached by ClinVar (database versions not stated): gnomAD exomes 0.00006 and 0.00002; 1000 Genomes Project 0.00020; gnomAD 0.00006 and 0.00007; TOPMed 0.00006; ExAC 0.00006; 1000 Genomes Project 30x 0.00016.
gnomAD v4.1: 47 of 1,613,364 alleles (0.0029%); highest among the groups gnomAD compares: African/African-American, 0.02%; 1 homozygote.

Submissions (5):

Labcorp Genetics (formerly Invitae), Labcorp
Classification: Likely benign for Muscular dystrophy-dystroglycanopathy (congenital with impaired intellectual development), type B, 1; Walker-Warburg congenital muscular dystrophy; Autosomal recessive limb-girdle muscular dystrophy type 2K. Last evaluated: 2025-11-18. Review status: criteria provided, single submitter. Criteria: Invitae Variant Classification Sherloc (09022015). Collection method: clinical testing. Allele origin: germline.

Blueprint Genetics
Classification: Likely benign. Last evaluated: 2024-05-16. Review status: criteria provided, single submitter. Criteria: ACMG Guidelines, 2015. Collection method: clinical testing. Allele origin: germline.

GeneDx
Classification: Likely benign. Last evaluated: 2017-10-13. Review status: criteria provided, single submitter. Criteria: GeneDx Variant Classification (06012015). Collection method: clinical testing. Allele origin: germline. Affected: yes.
Comment: This variant is considered likely benign or benign based on one or more of the following criteria: it is a conservative change, it occurs at a poorly conserved position in the protein, it is predicted to be benign by multiple in silico algorithms, and/or has population frequency not consistent with disease.

Eurofins Ntd Llc (ga)
Classification: Uncertain significance. Last evaluated: 2017-03-30. Review status: criteria provided, single submitter. Criteria: EGL Classification Definitions 2015. Collection method: clinical testing. Allele origin: germline. Observed: 1 variant allele, 1 heterozygote.

PreventionGenetics, part of Exact Sciences
Classification: Likely benign for POMT1-related condition. Last evaluated: 2024-09-23. Review status: no assertion criteria provided. Collection method: clinical testing. Allele origin: germline. Not counted in ClinVar's aggregate classification.
Comment: This variant is classified as likely benign based on ACMG/AMP sequence variant interpretation guidelines (Richards et al. 2015 PMID: 25741868, with internal and published modifications).

NM_001077365.2(POMT1):c.1486+9G>A

Gene: POMT1 (protein O-mannosyltransferase 1; plus strand). Cytogenetic location: 9q34.13.
Variant type: single nucleotide variant.
Coding change: c.1486+9G>A on transcript NM_001077365.2 (MANE Select); 9 bases into the intron after coding-DNA position 1486, G replaced by A.
Molecular consequence: intron variant.
Genome position (GRCh38, 1-based): chr9:131,518,966, G>A. VCF-style: chr9-131518966-G-A. GRCh37 (hg19) VCF-style: chr9-134394353-G-A.
Other names: c.1390+9G>A (NM_001353198.2, NM_001353197.2); c.1552+9G>A (NM_001353193.2, NM_007171.4); c.1486+9G>A (NM_001136113.2); c.1324+9G>A (NM_001353194.2, NM_001077366.2); c.1135+9G>A (NM_001374691.1, NM_001353195.2, NM_001374692.1 and 2 more transcripts); c.1365+429G>A (NM_001374690.1); c.1396+9G>A (NM_001353196.2); c.1096+9G>A (NM_001374695.1); and 3 more.
Identifiers: ClinVar variation 289444 (VCV000289444.15), dbSNP rs547775333, ClinGen allele CA5293714.